The following is an entry in ClinVar:

ClinVar aggregate classification (germline): Conflicting classifications of pathogenicity. Review status: criteria provided, conflicting classifications (1 of 4 stars). 6 submissions from 6 submitters: Pathogenic (2); Likely pathogenic (2); Uncertain significance (2). Last evaluated 2024-09-24.

Conditions:
CHD2-related disorder. Also called: CHD2-related condition.
Developmental and epileptic encephalopathy 94 (DEE94). Also called: CHD2-Related Neurodevelopmental Disorders; Epileptic encephalopathy, childhood-onset. Identifiers: Orphanet 1942, Orphanet 2382, MedGen C3809278, MONDO:0014150, OMIM 615369.
Intellectual disability. Also called: Intellectual functioning disability; Intellectual developmental disorder; intellectual disabilities. Identifiers: MedGen C3714756, MeSH D008607, MONDO:0001071, HP:0001249.

Submissions (6):

GeneDx
Classification: Pathogenic. Last evaluated: 2024-09-24. Review status: criteria provided, single submitter. Criteria: GeneDx Variant Classification Process June 2021. Collection method: clinical testing. Allele origin: germline. Affected: yes.
Comment: Frameshift variant predicted to result in protein truncation or nonsense mediated decay in a gene for which loss of function is a known mechanism of disease; This variant is associated with the following publications: (PMID: 34713950)

Labcorp Genetics (formerly Invitae), Labcorp
Classification: Pathogenic for Developmental and epileptic encephalopathy 94. Last evaluated: 2024-07-06. Review status: criteria provided, single submitter. Criteria: Invitae Variant Classification Sherloc (09022015). Collection method: clinical testing. Allele origin: germline.
Comment: This sequence change creates a premature translational stop signal (p.Lys1391Asnfs*15) in the CHD2 gene. It is expected to result in an absent or disrupted protein product. Loss-of-function variants in CHD2 are known to be pathogenic (PMID: 23708187, 24207121). The frequency data for this variant in the population databases is considered unreliable, as metrics indicate poor data quality at this position in the gnomAD database. This premature translational stop signal has been observed in individual(s) with clinical features of CHD2-related conditions (PMID: 34713950). ClinVar contains an entry for this variant (Variation ID: 981296). For these reasons, this variant has been classified as Pathogenic.

Broad Center for Mendelian Genomics, Broad Institute of MIT and Harvard
Classification: Uncertain significance for Developmental and epileptic encephalopathy 94. Last evaluated: 2023-01-25. Review status: criteria provided, single submitter. Criteria: ACMG Guidelines, 2015. Collection method: curation. Allele origin: germline. Inheritance: Autosomal dominant inheritance.
Comment: Trio exome analysis showed this variant to be de novo. The p.Lys1391AsnfsTer15 variant in CHD2 has not been previously reported in individuals with developmental and epileptic encephalopathy 94. This variant has also been reported in ClinVar (Variation ID: 981296) with conflicting interpretations of pathogenicity. Data from large population studies is insufficient to assess the frequency of this variant. This variant is predicted to cause a frameshift, which alters the protein‚Äôs amino acid sequence beginning at position 1391 and leads to a premature termination codon 15 amino acids downstream. This alteration is then predicted to lead to a truncated or absent protein. Heterozygous loss of function of the CHD2 is strongly associated to developmental and epileptic encephalopathy 94. In summary, while there is some suspicion for a pathogenic role, the clinical significance of this variant is uncertain. ACMG/AMP Criteria applied: PVS1_Strong, PS2_Supporting (Richards 2015).

Mendelics
Classification: Uncertain significance. Last evaluated: 2022-05-04. Review status: criteria provided, single submitter. Criteria: Mendelics Assertion Criteria 2019. Collection method: clinical testing. Allele origin: germline.

Diagnostic Laboratory, Strasbourg University Hospital
Classification: Likely pathogenic for Intellectual disability. Last evaluated: 2020-09-10. Review status: criteria provided, single submitter. Criteria: ACMG Guidelines, 2015. Collection method: clinical testing. Allele origin: de novo. Affected: yes. Observed: 1 heterozygote.

Blueprint Genetics
Classification: Likely pathogenic for CHD2-related disorders. Last evaluated: 2019-11-12. Review status: criteria provided, single submitter. Criteria: ACMG Guidelines, 2015. Collection method: clinical testing. Allele origin: germline. Affected: yes. Observed: 1 variant allele.

Literature cited by the submitters: PubMed 23708187 (cited by Labcorp Genetics (formerly Invitae), Labcorp); PubMed 24207121 (cited by Labcorp Genetics (formerly Invitae), Labcorp); PubMed 34713950 (cited by Labcorp Genetics (formerly Invitae), Labcorp).

NM_001271.4(CHD2):c.4173del (p.Lys1391fs)

Gene: CHD2 (chromodomain helicase DNA binding protein 2; plus strand). Cytogenetic location: 15q26.1.
Variant type: Deletion.
Coding change: c.4173del on transcript NM_001271.4 (MANE Select); coding-DNA position 4173, one base deleted (A; older notation c.4173delA).
Protein change: p.Lys1391fs; shifts the reading frame from lysine 1391.
Molecular consequence: frameshift variant.
Genome position (GRCh38, 1-based): chr15:93,002,212, A deleted; the last of 9 consecutive A bases (chr15:93,002,204-93,002,212); deleting any one gives the same sequence. VCF-style (leftmost placement, unchanged base first): chr15-93002203-GA-G. GRCh37 (hg19) VCF-style: chr15-93545433-GA-G.
Other names: NM_001271.4(CHD2):c.4173del; p.Lys1391fs; short protein forms K1391fs.
Identifiers: ClinVar variation 981296 (VCV000981296.8), dbSNP rs749969667, ClinGen allele CA7748402.